The following is an entry in ClinVar:

ClinVar aggregate classification (germline): Pathogenic (1 of 4 stars; one submission).

Conditions:
Polycystic kidney disease, adult type (PKD1). Also called: Polycystic Kidney Disease 1, Autosomal Dominant; Polycystic kidney disease 1; Polycystic kidney disease 1, severe; POLYCYSTIC KIDNEY DISEASE, ADULT, TYPE I; Polycystic Kidney, Autosomal Dominant; POLYCYSTIC KIDNEY DISEASE 1 WITH OR WITHOUT POLYCYSTIC LIVER DISEASE. Identifiers: MedGen C3149841, MONDO:0008263, OMIM 173900.

Submission:

MVZ Medizinische Genetik Mainz
Classification: Pathogenic for Polycystic kidney disease, adult type. Last evaluated: 2024-04-11. Review status: criteria provided, single submitter. Criteria: UK Practice Guidelines For Variant Classification V4 01 2020. Collection method: clinical testing. Allele origin: germline. Inheritance: Autosomal dominant inheritance. Affected: yes. Observed: 1 variant allele.
Comment: ACMG Criteria: PVS1,PM2_SUP,PP4

NM_001009944.3(PKD1):c.8574_8580del (p.Ala2859fs)

Gene: PKD1 (polycystin 1, transient receptor potential channel interacting; minus strand). Cytogenetic location: 16p13.3.
Variant type: Deletion.
Coding change: c.8574_8580del on transcript NM_001009944.3 (MANE Select); coding-DNA positions 8574 to 8580, 7 bases deleted (CGCCCAG; older notation c.8574_8580delCGCCCAG).
Protein change: p.Ala2859fs; shifts the reading frame from alanine 2859.
Molecular consequence: frameshift variant.
Genome position (GRCh38, 1-based): chr16:2,103,477-2,103,483, CTGGGCG deleted on the plus strand (CGCCCAG on the coding strand, the reverse complement: PKD1 is on the minus strand); deleting any 7 consecutive bases within chr16:2,103,477-2,103,484 gives the same sequence; the c. name uses the placement nearest the transcript's 3' end. VCF-style (leftmost placement, unchanged base first): chr16-2103476-TCTGGGCG-T. GRCh37 (hg19) VCF-style: chr16-2153477-TCTGGGCG-T.
Other names: c.8574_8580del, p.Ala2859fs (NM_000296.4); short protein forms A2859fs.
Identifiers: ClinVar variation 3256627 (VCV003256627.1).